The following is an entry in ClinVar:

NM_016373.4(WWOX):c.516+6_516+7inv

Gene: WWOX (WW domain containing oxidoreductase; plus strand). Cytogenetic location: 16q23.1.
Variant type: Inversion.
Coding change: c.516+6_516+7inv on transcript NM_016373.4 (MANE Select).
Molecular consequence: intron variant.
Genome position: GRCh38 VCF-style: chr16-78164295-TG-CA. GRCh37 (hg19) VCF-style: chr16-78198192-TG-CA.
Other names: c.177+6_177+7inv (NM_001291997.2); c.516+6_516+7inv (NM_130791.5).
Identifiers: ClinVar variation 1024719 (VCV001024719.6), ClinGen allele CA2499223702.

ClinVar aggregate classification (germline): Uncertain significance (1 of 4 stars; one submission).

Conditions:
Developmental and epileptic encephalopathy, 1 (DEE1). Also called: INFANTILE SPASM SYNDROME, X-LINKED 1; Epileptic encephalopathy, early infantile, 1; X-linked infantile spasms; West's syndrome; Tonic spasms with clustering, arrest of psychomotor development and hypsarrhythmia on EEG; X-Linked Infantile Spasm Syndrome. Identifiers: MedGen C3463992, MONDO:0010632, OMIM 308350. Disease mechanism: loss of function.
Autosomal recessive spinocerebellar ataxia 12. Also called: SPINOCEREBELLAR ATAXIA WITH MENTAL RETARDATION AND EPILEPSY. Identifiers: Orphanet 284282, MedGen C3280452, MONDO:0013687, OMIM 614322.

Submission:

Labcorp Genetics (formerly Invitae), Labcorp
Classification: Uncertain significance for Developmental and epileptic encephalopathy, 1; Autosomal recessive spinocerebellar ataxia 12. Last evaluated: 2022-05-31. Review status: criteria provided, single submitter. Criteria: Invitae Variant Classification Sherloc (09022015). Collection method: clinical testing. Allele origin: germline.
Comment: This sequence change falls in intron 5 of the WWOX gene. It does not directly change the encoded amino acid sequence of the WWOX protein. It affects a nucleotide within the consensus splice site. Information on the frequency of this variant in the gnomAD database is not available, as this variant may be reported differently in the database. This variant has not been reported in the literature in individuals affected with WWOX-related conditions. ClinVar contains an entry for this variant (Variation ID: 1024719). Variants that disrupt the consensus splice site are a relatively common cause of aberrant splicing (PMID: 17576681, 9536098). Algorithms developed to predict the effect of sequence changes on RNA splicing suggest that this variant is not likely to affect RNA splicing. In summary, the available evidence is currently insufficient to determine the role of this variant in disease. Therefore, it has been classified as a Variant of Uncertain Significance.

Literature cited by the submitters: PubMed 17576681; PubMed 9536098.